The following is an entry in ClinVar:

ClinVar aggregate classification (germline): Uncertain significance (1 of 4 stars; one submission).

Conditions:
Hereditary cancer-predisposing syndrome. Also called: Tumor predisposition; Hereditary Cancer Syndrome; Hereditary neoplastic syndrome; Neoplastic Syndromes, Hereditary. Identifiers: Orphanet 140162, MedGen C0027672, MeSH D009386, MONDO:0015356.

Submission:

Ambry Genetics
Classification: Uncertain significance for Hereditary cancer-predisposing syndrome. Last evaluated: 2024-03-07. Review status: criteria provided, single submitter. Criteria: Ambry Variant Classification Scheme 2023. Collection method: clinical testing. Allele origin: germline.
Comment: The p.M48I variant (also known as c.144G>T), located in coding exon 1 of the CDKN2A (p.14ARF) gene, results from a G to T substitution at nucleotide position 144. The methionine at codon 48 is replaced by isoleucine, an amino acid with highly similar properties. This amino acid position is poorly conserved in available vertebrate species. Based on the available evidence, the clinical significance of this alteration remains unclear.

NM_058195.4(CDKN2A):c.144G>T (p.Met48Ile)

Gene: CDKN2A (cyclin dependent kinase inhibitor 2A; minus strand). Cytogenetic location: 9p21.3.
Variant type: single nucleotide variant.
Coding change: c.144G>T on transcript NM_058195.4 (MANE Plus Clinical); coding-DNA position 144, G replaced by T.
Protein change: p.Met48Ile; replaces methionine 48 with isoleucine.
Molecular consequence: missense variant. On other transcripts: intron variant (1).
Genome position (GRCh38, 1-based): chr9:21,994,188, C>A on the plus strand (G>T on the coding strand, the complement: CDKN2A is on the minus strand). VCF-style: chr9-21994188-C-A. GRCh37 (hg19) VCF-style: chr9-21994187-C-A.
Other names: c.-4+633G>T (NM_001363763.2); short protein forms M48I.
Identifiers: ClinVar variation 3228936 (VCV003228936.1), dbSNP rs1820528469, ClinGen allele CA373086860.